The following is an entry in ClinVar:

NM_007315.4(STAT1):c.913A>T (p.Thr305Ser)

Gene: STAT1 (signal transducer and activator of transcription 1; minus strand). Cytogenetic location: 2q32.2.
Variant type: single nucleotide variant.
Coding change: c.913A>T on transcript NM_007315.4 (MANE Select); coding-DNA position 913, A replaced by T.
Protein change: p.Thr305Ser; replaces threonine 305 with serine.
Molecular consequence: missense variant. On other transcripts: intron variant (1).
Genome position (GRCh38, 1-based): chr2:190,995,092, T>A on the plus strand (A>T on the coding strand, the complement: STAT1 is on the minus strand). VCF-style: chr2-190995092-T-A. GRCh37 (hg19) VCF-style: chr2-191859818-T-A.
Other names: c.913A>T, p.Thr305Ser (NM_001384887.1, NM_001384888.1, NM_001384889.1 and 4 more transcripts); c.823A>T, p.Thr275Ser (NM_001384890.1); c.949A>T, p.Thr317Ser (NM_001384891.1); c.785+2764A>T (NM_001384885.1); c.919A>T, p.Thr307Ser (NM_001384881.1, NM_001384884.1); c.814A>T, p.Thr272Ser (NM_001384883.1); short protein forms T275S, T272S, T305S, T317S, T307S.
Identifiers: ClinVar variation 2950840 (VCV002950840.3), dbSNP rs2125061873, ClinGen allele CA349921509.
Genomic context (GRCh38, chr2:190,995,092, plus strand): 5'-AAGGTACAAATAAATGTCCCTTGAGTTACCTCTGAATGAGCTGCTGGAAAAGACTGAAGG[T>A]GCGGTCCCATAACACTTGTTTGTTTTTTGTGATAGGGTCATGTTCGTAGGTGTATTTCTG-3'
Protein context (NP_009330.1, residues 295-315): TKNKQVLWDR[Thr305Ser]FSLFQQLIQS

ClinVar aggregate classification (germline): Uncertain significance (1 of 4 stars; one submission).

Conditions:
Immunodeficiency 31B. Also called: STAT1 DEFICIENCY, AUTOSOMAL RECESSIVE; IMMUNODEFICIENCY 31B, MYCOBACTERIAL AND VIRAL INFECTIONS, AUTOSOMAL RECESSIVE. Identifiers: Orphanet 391311, MedGen C3151088, MONDO:0013427, OMIM 613796.
Autoimmune enteropathy and endocrinopathy - susceptibility to chronic infections syndrome. Also called: Immunodeficiency 31C, autosomal dominant; Immunodeficiency 31C. Identifiers: Orphanet 391487, MedGen C3279990, MONDO:0013599, OMIM 614162.
Mendelian susceptibility to mycobacterial diseases due to partial STAT1 deficiency. Also called: IMMUNODEFICIENCY 31A, MYCOBACTERIOSIS, AUTOSOMAL DOMINANT; STAT1 DEFICIENCY, AUTOSOMAL DOMINANT; Immunodeficiency 31a. Identifiers: Orphanet 319595, MedGen C4013950, MONDO:0013956, OMIM 614892.

Allele frequency attached by ClinVar (database versions not stated): gnomAD exomes below 0.00001.
gnomAD v4.1: 1 of 1,613,790 alleles (0.000062%); highest among the groups gnomAD compares: African/African-American, 0.0013%; no homozygotes.

Submission:

Labcorp Genetics (formerly Invitae), Labcorp
Classification: Uncertain significance for Mendelian susceptibility to mycobacterial diseases due to partial STAT1 deficiency; Immunodeficiency 31B; Autoimmune enteropathy and endocrinopathy - susceptibility to chronic infections syndrome. Last evaluated: 2023-12-11. Review status: criteria provided, single submitter. Criteria: Invitae Variant Classification Sherloc (09022015). Collection method: clinical testing. Allele origin: germline.
Comment: This sequence change replaces threonine, which is neutral and polar, with serine, which is neutral and polar, at codon 305 of the STAT1 protein (p.Thr305Ser). This variant is not present in population databases (gnomAD no frequency). This variant has not been reported in the literature in individuals affected with STAT1-related conditions. An algorithm developed to predict the effect of missense changes on protein structure and function (PolyPhen-2) suggests that this variant is likely to be disruptive. In summary, the available evidence is currently insufficient to determine the role of this variant in disease. Therefore, it has been classified as a Variant of Uncertain Significance.